The following is an entry in ClinVar:

NM_000059.4(BRCA2):c.1549A>G (p.Asn517Asp)

Gene: BRCA2 (BRCA2 DNA repair associated; plus strand). Cytogenetic location: 13q13.1.
Variant type: single nucleotide variant.
Coding change: c.1549A>G on transcript NM_000059.4 (MANE Select); coding-DNA position 1549, A replaced by G.
Protein change: p.Asn517Asp; replaces asparagine 517 with aspartic acid.
Molecular consequence: missense variant.
Genome position (GRCh38, 1-based): chr13:32,333,027, A>G. VCF-style: chr13-32333027-A-G. GRCh37 (hg19) VCF-style: chr13-32907164-A-G.
Other names: short protein forms N517D.
Identifiers: ClinVar variation 838099 (VCV000838099.11), dbSNP rs2072416152, ClinGen allele CA387764657.
Genomic context (GRCh38, chr13:32,333,027, plus strand): 5'-TCATTTCAGGGTATCAAAAAGTCTATATTCAGAATAAGAGAATCACCTAAAGAGACTTTC[A>G]ATGCAAGTTTTTCAGGTCATATGACTGATCCAAACTTTAAAAAAGAAACTGAAGCCTCTG-3'
Protein context (NP_000050.3, residues 507-527): RIRESPKETF[Asn517Asp]ASFSGHMTDP

ClinVar aggregate classification (germline): Conflicting classifications of pathogenicity. Review status: criteria provided, conflicting classifications (1 of 4 stars). 2 submissions from 2 submitters: Uncertain significance (1); Likely benign (1). Last evaluated 2023-03-23.

Conditions:
Hereditary breast ovarian cancer syndrome. Also called: Hereditary breast and ovarian cancer syndrome (HBOC); Hereditary breast and ovarian cancer; Hereditary breast and/or ovarian cancer syndrome; Hereditary breast and ovarian cancer syndrome; Breast and ovarian cancer; BRCA1- and BRCA2-Associated Hereditary Breast and Ovarian Cancer. Identifiers: Orphanet 145, MedGen C0677776, MeSH D061325, MONDO:0003582. Disease mechanism: loss of function.
Hereditary cancer-predisposing syndrome. Also called: Neoplastic Syndromes, Hereditary; Tumor predisposition; Hereditary neoplastic syndrome; Hereditary Cancer Syndrome. Identifiers: Orphanet 140162, MedGen C0027672, MeSH D009386, MONDO:0015356.

Submissions (2):

University of Washington Department of Laboratory Medicine, University of Washington
Classification: Likely benign for Hereditary cancer-predisposing syndrome. Last evaluated: 2023-03-23. Review status: criteria provided, single submitter. Criteria: Dines et al. (Genet Med. 2020). Collection method: curation. Allele origin: germline.
Comment: Missense variant in a coldspot region where missense variants are very unlikely to be pathogenic (PMID:31911673).

BRCA2 exon 10 coldspot. Reclassification based on statistical prior probability.

Labcorp Genetics (formerly Invitae), Labcorp
Classification: Uncertain significance for Hereditary breast ovarian cancer syndrome. Last evaluated: 2019-04-12. Review status: criteria provided, single submitter. Criteria: Invitae Variant Classification Sherloc (09022015). Collection method: clinical testing. Allele origin: germline.
Comment: This sequence change replaces asparagine with aspartic acid at codon 517 of the BRCA2 protein (p.Asn517Asp). The asparagine residue is weakly conserved and there is a small physicochemical difference between asparagine and aspartic acid. This variant is not present in population databases (ExAC no frequency). This variant has not been reported in the literature in individuals with BRCA2-related conditions. Algorithms developed to predict the effect of missense changes on protein structure and function output the following: SIFT: "Tolerated"; PolyPhen-2: "Benign"; Align-GVGD: "Class C0". The aspartic acid amino acid residue is found in multiple mammalian species, suggesting that this missense change does not adversely affect protein function. These predictions have not been confirmed by published functional studies and their clinical significance is uncertain. In summary, the available evidence is currently insufficient to determine the role of this variant in disease. Therefore, it has been classified as a Variant of Uncertain Significance.